The following is an entry in ClinVar:

NM_002850.4(PTPRS):c.3763C>G (p.Pro1255Ala)

Gene: PTPRS (protein tyrosine phosphatase receptor type S; minus strand). Cytogenetic location: 19p13.3.
Variant type: single nucleotide variant.
Coding change: c.3763C>G on transcript NM_002850.4 (MANE Select); coding-DNA position 3763, C replaced by G.
Protein change: p.Pro1255Ala; replaces proline 1255 with alanine.
Molecular consequence: missense variant.
Genome position (GRCh38, 1-based): chr19:5,219,941, G>C on the plus strand (C>G on the coding strand, the complement: PTPRS is on the minus strand). VCF-style: chr19-5219941-G-C. GRCh37 (hg19) VCF-style: chr19-5219952-G-C.
Other names: c.3697C>G, p.Pro1233Ala (NM_001394011.1, NM_001394013.1, NM_130854.3); c.3724C>G, p.Pro1242Ala (NM_001394012.1); c.2470C>G, p.Pro824Ala (NM_130853.3); c.2482C>G, p.Pro828Ala (NM_130855.3); short protein forms P1233A, P1242A, P1255A, P824A, P828A.
Identifiers: ClinVar variation 3050701 (VCV003050701.2), dbSNP rs139608745, ClinGen allele CA9109454.
Genomic context (GRCh38, chr19:5,219,941, plus strand): 5'-GGGGTCTGCCTCATTCAGAGGTGTGTCTGGATGTGGGCGGACACCATTCAGGACTTACAG[G>C]CTCGCTCTTCTGAAGCACGGCAAGCACGAAGAGGACATAGCGGTGGCCGGGCTCCAGGCC-3'
Protein context (NP_002841.3, residues 1245-1265): FVLAVLQKSE[Pro1255Ala]TFAASPFSDP

ClinVar aggregate classification (germline): Benign (0 of 4 stars; one submission).

Conditions:
PTPRS-related disorder. Also called: PTPRS-related condition.

Allele frequency attached by ClinVar (database versions not stated): ESP Exome Variant Server 0.00038; TOPMed 0.00198; 1000 Genomes Project 0.00280; 1000 Genomes Project 30x 0.00297; gnomAD 0.00521.
gnomAD v4.1: 4,423 of 1,613,524 alleles (0.27%); highest among the groups gnomAD compares: Admixed American, 0.8%; 89 homozygotes.

Submission:

PreventionGenetics, part of Exact Sciences
Classification: Benign for PTPRS-related condition. Last evaluated: 2019-03-18. Review status: no assertion criteria provided. Collection method: clinical testing. Allele origin: germline.
Comment: This variant is classified as benign based on ACMG/AMP sequence variant interpretation guidelines (Richards et al. 2015 PMID: 25741868, with internal and published modifications).